The following is an entry in ClinVar:

ClinVar aggregate classification (germline): Uncertain significance (1 of 4 stars; one submission).

Conditions:
Adams-Oliver syndrome 5 (AOS5). Identifiers: Orphanet 974, MedGen C4014970, MONDO:0014459, OMIM 616028.

Submission:

Labcorp Genetics (formerly Invitae), Labcorp
Classification: Uncertain significance for Adams-Oliver syndrome 5. Last evaluated: 2024-07-29. Review status: criteria provided, single submitter. Criteria: Invitae Variant Classification Sherloc (09022015). Collection method: clinical testing. Allele origin: germline.
Comment: This sequence change replaces alanine, which is neutral and non-polar, with serine, which is neutral and polar, at codon 973 of the NOTCH1 protein (p.Ala973Ser). This variant is not present in population databases (gnomAD no frequency). This variant has not been reported in the literature in individuals affected with NOTCH1-related conditions. Advanced modeling of protein sequence and biophysical properties (such as structural, functional, and spatial information, amino acid conservation, physicochemical variation, residue mobility, and thermodynamic stability) performed at Invitae indicates that this missense variant is not expected to disrupt NOTCH1 protein function with a negative predictive value of 80%. In summary, the available evidence is currently insufficient to determine the role of this variant in disease. Therefore, it has been classified as a Variant of Uncertain Significance.

NM_017617.5(NOTCH1):c.2917G>T (p.Ala973Ser)

Gene: NOTCH1 (notch receptor 1; minus strand). Cytogenetic location: 9q34.3.
Variant type: single nucleotide variant.
Coding change: c.2917G>T on transcript NM_017617.5 (MANE Select); coding-DNA position 2917, G replaced by T.
Protein change: p.Ala973Ser; replaces alanine 973 with serine.
Molecular consequence: missense variant.
Genome position (GRCh38, 1-based): chr9:136,509,785, C>A on the plus strand (G>T on the coding strand, the complement: NOTCH1 is on the minus strand). VCF-style: chr9-136509785-C-A. GRCh37 (hg19) VCF-style: chr9-139404237-C-A.
Other names: short protein forms A973S.
Identifiers: ClinVar variation 3710351 (VCV003710351.2).
Genomic context (GRCh38, chr9:136,509,785, plus strand): 5'-CCGCACACCTCTCTGTGCAGTCAGGCGTGTTGTTCTCACAGTGGATCCCGCTGAAGCCTG[C>A]GGGGCAGGTGCACGTGTAGCTGTCCACGCAGTCCGTGCAGTTGGCCCCGTTGCGGCAGGG-3'
Protein context (NP_060087.3, residues 963-983): CVDSYTCTCP[Ala973Ser]GFSGIHCENN